The following is an entry in ClinVar:

NM_080605.4(B3GALT6):c.178G>A (p.Ala60Thr)

Gene: B3GALT6 (beta-1,3-galactosyltransferase 6; plus strand). Cytogenetic location: 1p36.33.
Variant type: single nucleotide variant.
Coding change: c.178G>A on transcript NM_080605.4 (MANE Select); coding-DNA position 178, G replaced by A.
Protein change: p.Ala60Thr; replaces alanine 60 with threonine.
Molecular consequence: missense variant.
Genome position (GRCh38, 1-based): chr1:1,232,456, G>A. VCF-style: chr1-1232456-G-A. GRCh37 (hg19) VCF-style: chr1-1167836-G-A.
Other names: short protein forms A60T.
Identifiers: ClinVar variation 1425377 (VCV001425377.4), dbSNP rs1638538307, ClinGen allele CA337823154.
Genomic context (GRCh38, chr1:1,232,456, plus strand): 5'-AGGGCGATGTCGGGCCGCAGCCCGCCTCCCCCCGCGCCCGCGCGCGCCGCCGCCTTCCTG[G>A]CAGTGCTGGTGGCCAGCGCGCCCCGCGCCGCCGAGCGCCGCAGCGTGATCCGCAGCACGT-3'
Protein context (NP_542172.2, residues 50-70): PAPARAAAFL[Ala60Thr]VLVASAPRAA

ClinVar aggregate classification (germline): Uncertain significance (1 of 4 stars; one submission).

Conditions:
Spondyloepimetaphyseal dysplasia with joint laxity (SEMDJL). Identifiers: MedGen C0432243, MONDO:0019675.
Ehlers-Danlos syndrome, spondylodysplastic type, 2 (EDSSPD2). Also called: Ehlers-Danlos syndrome, progeroid type, 2. Identifiers: Orphanet 536467, Orphanet 75496, MedGen C3809210, MONDO:0014139, OMIM 615349.

Allele frequency attached by ClinVar (database versions not stated): TOPMed below 0.00001; gnomAD exomes below 0.00001.

Submission:

Labcorp Genetics (formerly Invitae), Labcorp
Classification: Uncertain significance for Ehlers-Danlos syndrome, spondylodysplastic type, 2; Spondyloepimetaphyseal dysplasia with joint laxity. Last evaluated: 2025-04-11. Review status: criteria provided, single submitter. Criteria: Invitae Variant Classification Sherloc (09022015). Collection method: clinical testing. Allele origin: germline.
Comment: This sequence change replaces alanine, which is neutral and non-polar, with threonine, which is neutral and polar, at codon 60 of the B3GALT6 protein (p.Ala60Thr). The frequency data for this variant in the population databases is considered unreliable, as metrics indicate insufficient coverage at this position in the gnomAD database. This variant has not been reported in the literature in individuals affected with B3GALT6-related conditions. ClinVar contains an entry for this variant (Variation ID: 1425377). Invitae Evidence Modeling of protein sequence and biophysical properties (such as structural, functional, and spatial information, amino acid conservation, physicochemical variation, residue mobility, and thermodynamic stability) indicates that this missense variant is not expected to disrupt B3GALT6 protein function with a negative predictive value of 80%. In summary, the available evidence is currently insufficient to determine the role of this variant in disease. Therefore, it has been classified as a Variant of Uncertain Significance.